The following is an entry in ClinVar:

NM_000035.4(ALDOB):c.446G>A (p.Arg149His)

Gene: ALDOB (aldolase, fructose-bisphosphate B; minus strand). Cytogenetic location: 9q31.1.
Variant type: single nucleotide variant.
Coding change: c.446G>A on transcript NM_000035.4 (MANE Select); coding-DNA position 446, G replaced by A.
Protein change: p.Arg149His; replaces arginine 149 with histidine.
Molecular consequence: missense variant.
Genome position (GRCh38, 1-based): chr9:101,427,576, C>T on the plus strand (G>A on the coding strand, the complement: ALDOB is on the minus strand). VCF-style: chr9-101427576-C-T. GRCh37 (hg19) VCF-style: chr9-104189858-C-T.
Other names: short protein forms R149H.
Identifiers: ClinVar variation 3356892 (VCV003356892.1).

ClinVar aggregate classification (germline): Uncertain significance (0 of 4 stars; one submission).

Conditions:
ALDOB-related disorder. Also called: ALDOB-related condition.

Submission:

PreventionGenetics, part of Exact Sciences
Classification: Uncertain significance for ALDOB-related condition. Last evaluated: 2024-06-17. Review status: no assertion criteria provided. Collection method: clinical testing. Allele origin: germline.
Comment: The ALDOB c.446G>A variant is predicted to result in the amino acid substitution p.Arg149His. To our knowledge, this variant has not been reported in the literature. This variant is reported in 0.010% of alleles in individuals of East Asian descent in gnomAD. At this time, the clinical significance of this variant is uncertain due to the absence of conclusive functional and genetic evidence.